The following is an entry in ClinVar:

NM_004977.3(KCNC3):c.1884G>A (p.Ala628=)

Gene: KCNC3 (potassium voltage-gated channel subfamily C member 3; minus strand). Cytogenetic location: 19q13.33.
Variant type: single nucleotide variant.
Coding change: c.1884G>A on transcript NM_004977.3 (MANE Select); coding-DNA position 1884, G replaced by A.
Protein change: p.Ala628=; no amino-acid change (alanine 628 retained).
Molecular consequence: synonymous variant.
Genome position (GRCh38, 1-based): chr19:50,323,069, C>T on the plus strand (G>A on the coding strand, the complement: KCNC3 is on the minus strand). VCF-style: chr19-50323069-C-T. GRCh37 (hg19) VCF-style: chr19-50826326-C-T.
Other names: c.1656G>A, p.Ala552= (NM_001372305.1).
Identifiers: ClinVar variation 522271 (VCV000522271.20), dbSNP rs552133569, ClinGen allele CA9594160.

ClinVar aggregate classification (germline): Likely benign. Review status: criteria provided, multiple submitters, no conflicts (2 of 4 stars). 4 submissions from 4 submitters: Likely benign (4). Last evaluated 2026-08-01.

Conditions:
Spinocerebellar ataxia type 13 (SCA13). Also called: Spinocerebellar Ataxia Type13. Identifiers: Orphanet 98768, MedGen C1854488, MONDO:0011529, OMIM 605259.

Allele frequency attached by ClinVar (database versions not stated): ExAC 0.00011; gnomAD exomes 0.00016; TOPMed 0.00022; gnomAD 0.00023; 1000 Genomes Project 30x 0.00031; 1000 Genomes Project 0.00040.
gnomAD v4.1: 311 of 1,539,068 alleles (0.02%); highest among the groups gnomAD compares: South Asian, 0.025%; no homozygotes.

Submissions (4):

CeGaT Center for Human Genetics Tuebingen
Classification: Likely benign. Last evaluated: 2026-08-01. Review status: criteria provided, single submitter. Criteria: CeGaT Center For Human Genetics Tuebingen Variant Classification Criteria Version 2. Collection method: clinical testing. Allele origin: germline. Affected: yes. Observed: 2 variant alleles.
Comment: KCNC3: BP4, BP7

Labcorp Genetics (formerly Invitae), Labcorp
Classification: Likely benign. Last evaluated: 2024-07-17. Review status: criteria provided, single submitter. Criteria: Invitae Variant Classification Sherloc (09022015). Collection method: clinical testing. Allele origin: germline.

Clinical Genetics DNA and cytogenetics Diagnostics Lab, Erasmus MC, Erasmus Medical Center
Classification: Likely benign for Spinocerebellar ataxia type 13. Last evaluated: 2015-09-21. Review status: criteria provided, single submitter. Criteria: ACGS Guidelines, 2013. Collection method: clinical testing. Allele origin: germline. Affected: yes. Study: VKGL Data-share Consensus.

Genome Diagnostics Laboratory, University Medical Center Utrecht
Classification: Likely benign for Spinocerebellar ataxia type 13. Last evaluated: 2014-10-10. Review status: criteria provided, single submitter. Criteria: ACGS Guidelines, 2013. Collection method: clinical testing. Allele origin: germline. Affected: yes. Study: VKGL Data-share Consensus.